The following is an entry in ClinVar:

NM_004364.5(CEBPA):c.-3C>T

Genes: CEBPA (CCAAT enhancer binding protein alpha; minus strand), LOC130064183 (ATAC-STARR-seq lymphoblastoid silent region 10495; plus strand). Cytogenetic location: 19q13.11.
Variant type: single nucleotide variant.
Coding change: c.-3C>T on transcript NM_004364.5 (MANE Select); 3 bases upstream of the start codon, C replaced by T.
Molecular consequence: 5 prime UTR variant. On other transcripts: missense variant (1).
Genome position (GRCh38, 1-based): chr19:33,302,417, G>A on the plus strand (C>T on the coding strand, the complement: CEBPA is on the minus strand). VCF-style: chr19-33302417-G-A. GRCh37 (hg19) VCF-style: chr19-33793323-G-A.
Other names: c.-360C>T (NM_001285829.2); c.103C>T, p.Pro35Ser (NM_001287424.2); c.-45C>T (NM_001287435.2); short protein forms P35S.
Identifiers: ClinVar variation 4611184 (VCV004611184.1).

ClinVar aggregate classification (germline): Uncertain significance (1 of 4 stars; one submission).

Conditions:
Inborn genetic diseases. Identifiers: MedGen C0950123, MeSH D030342.

Submission:

Ambry Genetics
Classification: Uncertain significance for Inborn genetic diseases. Last evaluated: 2025-10-17. Review status: criteria provided, single submitter. Criteria: Ambry Variant Classification Scheme 2023. Collection method: clinical testing. Allele origin: germline.
Comment: The c.-3C>T variant is located in the 5' untranslated region (5&rsquo; UTR) of the CEBPA gene. This variant results from a C to T substitution 3 bases upstream from the first translated codon. This nucleotide position is not well conserved in available vertebrate species. Based on the available evidence, the clinical significance of this variant remains unclear.